The following is an entry in ClinVar:

ClinVar aggregate classification (germline): Likely benign. Review status: criteria provided, multiple submitters, no conflicts (2 of 4 stars). 2 submissions from 2 submitters: Likely benign (2). Last evaluated 2026-09-18.

Conditions:
KMT2A-related disorder. Also called: KMT2A-related condition.

Allele frequency attached by ClinVar (database versions not stated): ExAC 0.00001; gnomAD 0.00001; gnomAD exomes 0.00001.
gnomAD v4.1: 18 of 1,613,310 alleles (0.0011%); highest among the groups gnomAD compares: Non-Finnish European, 0.0014%; no homozygotes.

Submissions (2):

PreventionGenetics, part of Exact Sciences
Classification: Likely benign for KMT2A-related condition. Last evaluated: 2026-09-18. Review status: criteria provided, single submitter. Criteria: ACMG Guidelines, 2015. Collection method: clinical testing. Allele origin: germline.
Comment: This variant is classified as likely benign based on ACMG/AMP sequence variant interpretation guidelines (Richards et al. 2015 PMID: 25741868, with internal and published modifications).

Labcorp Genetics (formerly Invitae), Labcorp
Classification: Likely benign. Last evaluated: 2022-07-19. Review status: criteria provided, single submitter. Criteria: Invitae Variant Classification Sherloc (09022015). Collection method: clinical testing. Allele origin: germline.

NM_001197104.2(KMT2A):c.5892C>T (p.Ala1964=)

Gene: KMT2A (lysine methyltransferase 2A; plus strand). Cytogenetic location: 11q23.3.
Variant type: single nucleotide variant.
Coding change: c.5892C>T on transcript NM_001197104.2 (MANE Select); coding-DNA position 5892, C replaced by T.
Protein change: p.Ala1964=; no amino-acid change (alanine 1964 retained).
Molecular consequence: synonymous variant.
Genome position (GRCh38, 1-based): chr11:118,498,459, C>T. VCF-style: chr11-118498459-C-T. GRCh37 (hg19) VCF-style: chr11-118369174-C-T.
Other names: c.5883C>T, p.Ala1961= (NM_005933.4); c.5892C>T (NM_001197104.1).
Identifiers: ClinVar variation 1665429 (VCV001665429.9), dbSNP rs781965108, ClinGen allele CA6304130.
Genomic context (GRCh38, chr11:118,498,459, plus strand): 5'-CACCGTGGGTTGCTGTCTCACATCCTGCACCAGCAACTATCACTTCATGTGTTCCCGAGC[C>T]AAGAACTGTGTCTTTCTGGATGATAAAAAAGTATATTGCCAACGACATCGGGATTTGATC-3'
Protein context (NP_001184033.1, residues 1954-1974): TSNYHFMCSR[Ala1964=]KNCVFLDDKK